The following is an entry in ClinVar:

NM_002048.3(GAS1):c.189C>T (p.Tyr63=)

Gene: GAS1 (growth arrest specific 1; minus strand). Cytogenetic location: 9q21.33.
Variant type: single nucleotide variant.
Coding change: c.189C>T on transcript NM_002048.3 (MANE Select); coding-DNA position 189, C replaced by T.
Protein change: p.Tyr63=; no amino-acid change (tyrosine 63 retained).
Molecular consequence: synonymous variant.
Genome position (GRCh38, 1-based): chr9:86,946,591, G>A on the plus strand (C>T on the coding strand, the complement: GAS1 is on the minus strand). VCF-style: chr9-86946591-G-A. GRCh37 (hg19) VCF-style: chr9-89561506-G-A.
Identifiers: ClinVar variation 765041 (VCV000765041.7), dbSNP rs1246966375, ClinGen allele CA465984214.

ClinVar aggregate classification (germline): Likely benign. Review status: criteria provided, multiple submitters, no conflicts (2 of 4 stars). 2 submissions from 2 submitters: Likely benign (2). Last evaluated 2026-01-01.

Allele frequency attached by ClinVar (database versions not stated): TOPMed below 0.00001; gnomAD 0.00001; gnomAD exomes 0.00001.

Submissions (2):

CeGaT Center for Human Genetics Tuebingen
Classification: Likely benign. Last evaluated: 2026-01-01. Review status: criteria provided, single submitter. Criteria: CeGaT Center For Human Genetics Tuebingen Variant Classification Criteria Version 2. Collection method: clinical testing. Allele origin: germline. Affected: yes. Observed: 1 variant allele.
Comment: GAS1: BP4, BP7

Labcorp Genetics (formerly Invitae), Labcorp
Classification: Likely benign. Last evaluated: 2018-07-20. Review status: criteria provided, single submitter. Criteria: Invitae Variant Classification Sherloc (09022015). Collection method: clinical testing. Allele origin: germline.